The following is an entry in ClinVar:

ClinVar aggregate classification (germline): Uncertain significance (1 of 4 stars; one submission).

gnomAD v4.1: 4 of 1,613,242 alleles (0.00025%); highest among the groups gnomAD compares: African/African-American, 0.0013%; no homozygotes.

Submission:

Labcorp Genetics (formerly Invitae), Labcorp
Classification: Uncertain significance. Last evaluated: 2022-05-08. Review status: criteria provided, single submitter. Criteria: Invitae Variant Classification Sherloc (09022015). Collection method: clinical testing. Allele origin: germline.
Comment: This sequence change replaces glutamine, which is neutral and polar, with arginine, which is basic and polar, at codon 367 of the DEAF1 protein (p.Gln367Arg). This variant is not present in population databases (gnomAD no frequency). This variant has not been reported in the literature in individuals affected with DEAF1-related conditions. Advanced modeling of protein sequence and biophysical properties (such as structural, functional, and spatial information, amino acid conservation, physicochemical variation, residue mobility, and thermodynamic stability) performed at Invitae indicates that this missense variant is not expected to disrupt DEAF1 protein function. In summary, the available evidence is currently insufficient to determine the role of this variant in disease. Therefore, it has been classified as a Variant of Uncertain Significance.

NM_021008.4(DEAF1):c.1100A>G (p.Gln367Arg)

Gene: DEAF1 (DEAF1 transcription factor; minus strand). Cytogenetic location: 11p15.5.
Variant type: single nucleotide variant.
Coding change: c.1100A>G on transcript NM_021008.4 (MANE Select); coding-DNA position 1100, A replaced by G.
Protein change: p.Gln367Arg; replaces glutamine 367 with arginine.
Molecular consequence: missense variant.
Genome position (GRCh38, 1-based): chr11:679,714, T>C on the plus strand (A>G on the coding strand, the complement: DEAF1 is on the minus strand). VCF-style: chr11-679714-T-C. GRCh37 (hg19) VCF-style: chr11-679714-T-C.
Other names: c.833A>G, p.Gln278Arg (NM_001293634.2); c.374A>G, p.Gln125Arg (NM_001367390.1); short protein forms Q125R, Q367R, Q278R.
Identifiers: ClinVar variation 2135433 (VCV002135433.4), dbSNP rs762624710, ClinGen allele CA378926047.